The following is an entry in ClinVar:

NM_002485.5(NBN):c.865T>C (p.Trp289Arg)

Gene: NBN (nibrin; minus strand). Cytogenetic location: 8q21.3.
Variant type: single nucleotide variant.
Coding change: c.865T>C on transcript NM_002485.5 (MANE Select); coding-DNA position 865, T replaced by C.
Protein change: p.Trp289Arg; replaces tryptophan 289 with arginine.
Molecular consequence: missense variant.
Genome position (GRCh38, 1-based): chr8:89,970,395, A>G on the plus strand (T>C on the coding strand, the complement: NBN is on the minus strand). VCF-style: chr8-89970395-A-G. GRCh37 (hg19) VCF-style: chr8-90982623-A-G.
Other names: c.619T>C, p.Trp207Arg (NM_001024688.3); short protein forms W289R, W207R.
Identifiers: ClinVar variation 3917590 (VCV003917590.2).

ClinVar aggregate classification (germline): Uncertain significance. Review status: criteria provided, multiple submitters, no conflicts (2 of 4 stars). 2 submissions from 2 submitters: Uncertain significance (2). Last evaluated 2025-04-07.

Conditions:
Hereditary cancer-predisposing syndrome. Also called: Hereditary Cancer Syndrome; Hereditary neoplastic syndrome; Neoplastic Syndromes, Hereditary; Tumor predisposition. Identifiers: Orphanet 140162, MedGen C0027672, MeSH D009386, MONDO:0015356.

Submissions (2):

Ambry Genetics
Classification: Uncertain significance for Hereditary cancer-predisposing syndrome. Last evaluated: 2025-04-07. Review status: criteria provided, single submitter. Criteria: Ambry Variant Classification Scheme 2023. Collection method: clinical testing. Allele origin: germline.
Comment: The p.W289R variant (also known as c.865T>C), located in coding exon 7 of the NBN gene, results from a T to C substitution at nucleotide position 865. The tryptophan at codon 289 is replaced by arginine, an amino acid with dissimilar properties. This amino acid position is conserved. In addition, this alteration is predicted to be tolerated by in silico analysis. Based on the available evidence, the clinical significance of this variant remains unclear.

Quest Diagnostics Nichols Institute San Juan Capistrano
Classification: Uncertain significance. Last evaluated: 2025-03-28. Review status: criteria provided, single submitter. Criteria: Quest Diagnostics criteria. Collection method: clinical testing. Allele origin: unknown.
Comment: The NBN c.865T>C (p.Trp289Arg) variant has not been reported in individuals with NBN-related conditions in the published literature. It also has not been reported in large, multi-ethnic general populations (Genome Aggregation Database). Analysis of this variant using bioinformatics tools for the prediction of the effect of amino acid changes on protein structure and function yielded predictions that this variant is benign. Based on the available information, we are unable to determine the clinical significance of this variant.